The following is an entry in ClinVar:

NM_182760.4(SUMF1):c.952C>T (p.Pro318Ser)

Gene: SUMF1 (sulfatase modifying factor 1; minus strand). Cytogenetic location: 3p26.1.
Variant type: single nucleotide variant.
Coding change: c.952C>T on transcript NM_182760.4 (MANE Select); coding-DNA position 952, C replaced by T.
Protein change: p.Pro318Ser; replaces proline 318 with serine.
Molecular consequence: missense variant.
Genome position (GRCh38, 1-based): chr3:4,410,867, G>A on the plus strand (C>T on the coding strand, the complement: SUMF1 is on the minus strand). VCF-style: chr3-4410867-G-A. GRCh37 (hg19) VCF-style: chr3-4452551-G-A.
Other names: c.877C>T, p.Pro293Ser (NM_001164674.2); c.952C>T, p.Pro318Ser (NM_001164675.2); short protein forms P318S, P293S.
Identifiers: ClinVar variation 1429211 (VCV001429211.5), dbSNP rs201462109, ClinGen allele CA2230397.

ClinVar aggregate classification (germline): Uncertain significance (1 of 4 stars; one submission).

Conditions:
Multiple sulfatase deficiency (MSD). Also called: Mucosulfatidosis; Multiple Sulfatase Deficiency Disease; Sulfatidosis, Juvenile, Austin Type. Identifiers: Orphanet 585, MedGen C0268263, MONDO:0010088, OMIM 272200.

Allele frequency attached by ClinVar (database versions not stated): gnomAD 0.00002 and 0.00003; TOPMed 0.00004.
gnomAD v4.1: 84 of 1,613,314 alleles (0.0052%); highest among the groups gnomAD compares: Non-Finnish European, 0.0064%; no homozygotes.

Submission:

Labcorp Genetics (formerly Invitae), Labcorp
Classification: Uncertain significance for Multiple sulfatase deficiency. Last evaluated: 2022-06-30. Review status: criteria provided, single submitter. Criteria: Invitae Variant Classification Sherloc (09022015). Collection method: clinical testing. Allele origin: germline.
Comment: This sequence change replaces proline, which is neutral and non-polar, with serine, which is neutral and polar, at codon 318 of the SUMF1 protein (p.Pro318Ser). This variant is present in population databases (rs201462109, gnomAD 0.005%). This variant has not been reported in the literature in individuals affected with SUMF1-related conditions. ClinVar contains an entry for this variant (Variation ID: 1429211). Algorithms developed to predict the effect of missense changes on protein structure and function (SIFT, PolyPhen-2, Align-GVGD) all suggest that this variant is likely to be disruptive. In summary, the available evidence is currently insufficient to determine the role of this variant in disease. Therefore, it has been classified as a Variant of Uncertain Significance.